The following is an entry in ClinVar:

ClinVar aggregate classification (germline): Uncertain significance (1 of 4 stars; one submission).

Conditions:
Hereditary cancer-predisposing syndrome. Also called: Hereditary Cancer Syndrome; Hereditary neoplastic syndrome; Neoplastic Syndromes, Hereditary; Tumor predisposition. Identifiers: Orphanet 140162, MedGen C0027672, MeSH D009386, MONDO:0015356.

Submission:

Ambry Genetics
Classification: Uncertain significance for Hereditary cancer-predisposing syndrome. Last evaluated: 2020-09-16. Review status: criteria provided, single submitter. Criteria: Ambry Variant Classification Scheme 2023. Collection method: clinical testing. Allele origin: germline.
Comment: The c.445+3T>A intronic variant results from a T to A substitution 3 nucleotides after coding exon 1 in the MEN1 gene. This nucleotide position is well conserved in available vertebrate species. In silico splice site analysis predicts that this alteration will weaken the native splice donor site. Since supporting evidence is limited at this time, the clinical significance of this alteration remains unclear.

NM_001370259.2(MEN1):c.445+3T>A

Gene: MEN1 (menin 1; minus strand). Cytogenetic location: 11q13.1.
Variant type: single nucleotide variant.
Coding change: c.445+3T>A on transcript NM_001370259.2 (MANE Select); 3 bases into the intron after coding-DNA position 445, T replaced by A.
Molecular consequence: intron variant. On other transcripts: missense variant (8).
Genome position (GRCh38, 1-based): chr11:64,809,662, A>T on the plus strand (T>A on the coding strand, the complement: MEN1 is on the minus strand). VCF-style: chr11-64809662-A-T. GRCh37 (hg19) VCF-style: chr11-64577134-A-T.
Other names: c.445+3T>A (NM_001370261.2, NM_130799.3, NM_001370260.2 and 3 more transcripts); c.448T>A, p.Trp150Arg (NM_000244.4, NM_001407145.1, NM_001407150.1 and 5 more transcripts); short protein forms W150R.
Identifiers: ClinVar variation 1740704 (VCV001740704.2), dbSNP rs2136177528, ClinGen allele CA381186619.